The following is an entry in ClinVar:

NM_001101362.3(KBTBD13):c.861C>G (p.Phe287Leu)

Gene: KBTBD13 (kelch repeat and BTB domain containing 13; plus strand). Cytogenetic location: 15q22.31.
Variant type: single nucleotide variant.
Coding change: c.861C>G on transcript NM_001101362.3 (MANE Select); coding-DNA position 861, C replaced by G.
Protein change: p.Phe287Leu; replaces phenylalanine 287 with leucine.
Molecular consequence: missense variant.
Genome position (GRCh38, 1-based): chr15:65,077,676, C>G. VCF-style: chr15-65077676-C-G. GRCh37 (hg19) VCF-style: chr15-65370014-C-G.
Other names: short protein forms F287L.
Identifiers: ClinVar variation 1438798 (VCV001438798.6), dbSNP rs777259450, ClinGen allele CA271504261.

ClinVar aggregate classification (germline): Uncertain significance (1 of 4 stars; one submission).

Conditions:
Nemaline myopathy 6 (NEM6). Also called: Nemaline myopathy 6, autosomal dominant. Identifiers: Orphanet 171439, MedGen C1836472, MONDO:0012237, OMIM 609273.

Submission:

Labcorp Genetics (formerly Invitae), Labcorp
Classification: Uncertain significance for Nemaline myopathy 6. Last evaluated: 2021-09-05. Review status: criteria provided, single submitter. Criteria: Invitae Variant Classification Sherloc (09022015). Collection method: clinical testing. Allele origin: germline.
Comment: This variant is not present in population databases (ExAC no frequency). This variant has not been reported in the literature in individuals affected with KBTBD13-related conditions. Algorithms developed to predict the effect of missense changes on protein structure and function are either unavailable or do not agree on the potential impact of this missense change (SIFT: "Tolerated"; PolyPhen-2: "Possibly Damaging"; Align-GVGD: "Class C0"). In summary, the available evidence is currently insufficient to determine the role of this variant in disease. Therefore, it has been classified as a Variant of Uncertain Significance. This sequence change replaces phenylalanine with leucine at codon 287 of the KBTBD13 protein (p.Phe287Leu). The phenylalanine residue is moderately conserved and there is a small physicochemical difference between phenylalanine and leucine.